The following is an entry in ClinVar:

ClinVar aggregate classification (germline): Uncertain significance (1 of 4 stars; one submission).

Conditions:
Autosomal dominant childhood-onset proximal spinal muscular atrophy with contractures (SMALED2A). Also called: SPINAL MUSCULAR ATROPHY, LOWER EXTREMITY-PREDOMINANT, 2A, CHILDHOOD ONSET, AUTOSOMAL DOMINANT; Spinal muscular atrophy, lower extremity-predominant, 2A, autosomal dominant. Identifiers: Orphanet 363447, Orphanet 363454, MedGen C4747715, MONDO:0014121, OMIM 615290.

Allele frequency attached by ClinVar (database versions not stated): gnomAD exomes below 0.00001.
gnomAD v4.1: 2 of 1,611,576 alleles (0.00012%); highest among the groups gnomAD compares: Non-Finnish European, 0.00017%; no homozygotes.

Submission:

Labcorp Genetics (formerly Invitae), Labcorp
Classification: Uncertain significance for Autosomal dominant childhood-onset proximal spinal muscular atrophy with contractures. Last evaluated: 2022-05-04. Review status: criteria provided, single submitter. Criteria: Invitae Variant Classification Sherloc (09022015). Collection method: clinical testing. Allele origin: germline.
Comment: In summary, the available evidence is currently insufficient to determine the role of this variant in disease. Therefore, it has been classified as a Variant of Uncertain Significance. Advanced modeling of protein sequence and biophysical properties (such as structural, functional, and spatial information, amino acid conservation, physicochemical variation, residue mobility, and thermodynamic stability) performed at Invitae indicates that this missense variant is expected to disrupt BICD2 protein function. This variant has not been reported in the literature in individuals affected with BICD2-related conditions. This variant is not present in population databases (gnomAD no frequency). This sequence change replaces arginine, which is basic and polar, with histidine, which is basic and polar, at codon 551 of the BICD2 protein (p.Arg551His).

NM_001003800.2(BICD2):c.1652G>A (p.Arg551His)

Gene: BICD2 (BICD cargo adaptor 2; minus strand). Cytogenetic location: 9q22.31.
Variant type: single nucleotide variant.
Coding change: c.1652G>A on transcript NM_001003800.2 (MANE Select); coding-DNA position 1652, G replaced by A.
Protein change: p.Arg551His; replaces arginine 551 with histidine.
Molecular consequence: missense variant.
Genome position (GRCh38, 1-based): chr9:92,718,993, C>T on the plus strand (G>A on the coding strand, the complement: BICD2 is on the minus strand). VCF-style: chr9-92718993-C-T. GRCh37 (hg19) VCF-style: chr9-95481275-C-T.
Other names: c.1652G>A, p.Arg551His (NM_015250.4); short protein forms R551H.
Identifiers: ClinVar variation 2095394 (VCV002095394.4), dbSNP rs2131500414, ClinGen allele CA374036518.